The following is an entry in ClinVar:

NM_001122681.2(SH3BP2):c.968_973del (p.Met323_Ala324del)

Gene: SH3BP2 (SH3 domain binding protein 2; plus strand). Cytogenetic location: 4p16.3.
Variant type: Deletion.
Coding change: c.968_973del on transcript NM_001122681.2 (MANE Select); coding-DNA positions 968 to 973, 6 bases deleted (TGGCCA; older notation c.968_973delTGGCCA).
Protein change: p.Met323_Ala324del.
Molecular consequence: inframe deletion.
Genome position (GRCh38, 1-based): chr4:2,829,874-2,829,879, TGGCCA deleted; deleting any 6 consecutive bases within chr4:2,829,872-2,829,879 gives the same sequence; the c. name uses the placement nearest the transcript's 3' end. VCF-style (leftmost placement, unchanged base first): chr4-2829871-TCATGGC-T. GRCh37 (hg19) VCF-style: chr4-2831598-TCATGGC-T.
Other names: c.1052_1057del, p.Met351_Ala352del (NM_001145855.2); c.1139_1144del, p.Met380_Ala381del (NM_001145856.2); c.968_973del, p.Met323_Ala324del (NM_003023.4).
Identifiers: ClinVar variation 2988980 (VCV002988980.3), dbSNP rs1305889036, ClinGen allele CA793574558.

ClinVar aggregate classification (germline): Uncertain significance (1 of 4 stars; one submission).

Conditions:
Fibrous dysplasia of jaw (CRBM). Also called: Cherubism. Identifiers: Orphanet 184, MedGen C0008029, MONDO:0007315, OMIM 118400.

Submission:

Labcorp Genetics (formerly Invitae), Labcorp
Classification: Uncertain significance for Fibrous dysplasia of jaw. Last evaluated: 2022-12-05. Review status: criteria provided, single submitter. Criteria: Invitae Variant Classification Sherloc (09022015). Collection method: clinical testing. Allele origin: germline.
Comment: This variant has not been reported in the literature in individuals affected with SH3BP2-related conditions. Experimental studies and prediction algorithms are not available or were not evaluated, and the functional significance of this variant is currently unknown. In summary, the available evidence is currently insufficient to determine the role of this variant in disease. Therefore, it has been classified as a Variant of Uncertain Significance. This variant, c.968_973del, results in the deletion of 2 amino acid(s) of the SH3BP2 protein (p.Met323_Ala324del), but otherwise preserves the integrity of the reading frame. This variant is not present in population databases (gnomAD no frequency).